The following is an entry in ClinVar:

NM_032043.3(BRIP1):c.2155T>G (p.Leu719Val)

Gene: BRIP1 (BRCA1 interacting DNA helicase 1; minus strand). Cytogenetic location: 17q23.2.
Variant type: single nucleotide variant.
Coding change: c.2155T>G on transcript NM_032043.3 (MANE Select); coding-DNA position 2155, T replaced by G.
Protein change: p.Leu719Val; replaces leucine 719 with valine.
Molecular consequence: missense variant.
Genome position (GRCh38, 1-based): chr17:61,744,534, A>C on the plus strand (T>G on the coding strand, the complement: BRIP1 is on the minus strand). VCF-style: chr17-61744534-A-C. GRCh37 (hg19) VCF-style: chr17-59821895-A-C.
Other names: short protein forms L719V.
Identifiers: ClinVar variation 929550 (VCV000929550.1), dbSNP rs771122056, ClinGen allele CA400483169.

ClinVar aggregate classification (germline): Uncertain significance (0 of 4 stars; one submission).

Allele frequency attached by ClinVar (database versions not stated): gnomAD exomes below 0.00001.
gnomAD v4.1: 1 of 1,613,812 alleles (0.000062%); highest among the groups gnomAD compares: East Asian, 0.0022%; no homozygotes.

Submission:

Leiden Open Variation Database
Classification: Uncertain significance. Last evaluated: 2019-08-13. Review status: no assertion criteria provided. Collection method: curation. Allele origin: germline. Affected: yes.
Comment: Curator: Arleen D. Auerbach. Submitter to LOVD: Yukihide Momozawa.

Literature cited by the submitters: PubMed 31214711.